The following is an entry in ClinVar:

NM_021620.4(PRDM13):c.844G>A (p.Val282Ile)

Gene: PRDM13 (PR/SET domain 13; plus strand). Cytogenetic location: 6q16.2.
Variant type: single nucleotide variant.
Coding change: c.844G>A on transcript NM_021620.4 (MANE Select); coding-DNA position 844, G replaced by A.
Protein change: p.Val282Ile; replaces valine 282 with isoleucine.
Molecular consequence: missense variant.
Genome position (GRCh38, 1-based): chr6:99,613,479, G>A. VCF-style: chr6-99613479-G-A. GRCh37 (hg19) VCF-style: chr6-100061355-G-A.
Other names: short protein forms V282I.
Identifiers: ClinVar variation 3019285 (VCV003019285.3), dbSNP rs1011273136, ClinGen allele CA365116610.

ClinVar aggregate classification (germline): Uncertain significance (1 of 4 stars; one submission).

gnomAD v4.1: 26 of 1,532,244 alleles (0.0017%); highest among the groups gnomAD compares: East Asian, 0.0025%; no homozygotes.

Submission:

Labcorp Genetics (formerly Invitae), Labcorp
Classification: Uncertain significance. Last evaluated: 2023-06-27. Review status: criteria provided, single submitter. Criteria: Invitae Variant Classification Sherloc (09022015). Collection method: clinical testing. Allele origin: germline.
Comment: This sequence change replaces valine, which is neutral and non-polar, with isoleucine, which is neutral and non-polar, at codon 282 of the PRDM13 protein (p.Val282Ile). The frequency data for this variant in the population databases is considered unreliable, as metrics indicate poor data quality at this position in the gnomAD database. This variant has not been reported in the literature in individuals affected with PRDM13-related conditions. An algorithm developed to predict the effect of missense changes on protein structure and function (PolyPhen-2) suggests that this variant is likely to be tolerated. In summary, the available evidence is currently insufficient to determine the role of this variant in disease. Therefore, it has been classified as a Variant of Uncertain Significance.